The following is an entry in ClinVar:

NM_001003800.2(BICD2):c.454-9C>A

Gene: BICD2 (BICD cargo adaptor 2; minus strand). Cytogenetic location: 9q22.31.
Variant type: single nucleotide variant.
Coding change: c.454-9C>A on transcript NM_001003800.2 (MANE Select); 9 bases into the intron before coding-DNA position 454, C replaced by A.
Molecular consequence: intron variant.
Genome position (GRCh38, 1-based): chr9:92,722,817, G>T on the plus strand (C>A on the coding strand, the complement: BICD2 is on the minus strand). VCF-style: chr9-92722817-G-T. GRCh37 (hg19) VCF-style: chr9-95485099-G-T.
Other names: c.454-9C>A (NM_015250.4, NM_001003800.1).
Identifiers: ClinVar variation 2720627 (VCV002720627.5), dbSNP rs973771496, ClinGen allele CA196342689.
Genomic context (GRCh38, chr9:92,722,817, plus strand): 5'-CCTTGATGTCATCCCGCAGGCGGCCACGCTGGATCTCCACATTCTGGTTGATCTGTTGGG[G>T]GAGAGGGAAAGGCAGGTATGAGCAGCCTCCACAGGGCACGAGAGGGGCTCAGTGCAGCCA-3'

ClinVar aggregate classification (germline): Likely benign. Review status: criteria provided, single submitter (1 of 4 stars). 2 submissions from 2 submitters: Likely benign (1). 1 of the submissions does not count toward it. Last evaluated 2024-06-25.

Conditions:
Autosomal dominant childhood-onset proximal spinal muscular atrophy with contractures (SMALED2A). Also called: SPINAL MUSCULAR ATROPHY, LOWER EXTREMITY-PREDOMINANT, 2A, CHILDHOOD ONSET, AUTOSOMAL DOMINANT; Spinal muscular atrophy, lower extremity-predominant, 2A, autosomal dominant. Identifiers: Orphanet 363447, Orphanet 363454, MedGen C4747715, MONDO:0014121, OMIM 615290.
BICD2-related disorder. Also called: BICD2-related condition.

Allele frequency attached by ClinVar (database versions not stated): gnomAD exomes below 0.00001.
gnomAD v4.1: 4 of 1,614,064 alleles (0.00025%); highest among the groups gnomAD compares: Middle Eastern, 0.017%; no homozygotes.

Submissions (2):

Labcorp Genetics (formerly Invitae), Labcorp
Classification: Likely benign for Autosomal dominant childhood-onset proximal spinal muscular atrophy with contractures. Last evaluated: 2024-06-25. Review status: criteria provided, single submitter. Criteria: Invitae Variant Classification Sherloc (09022015). Collection method: clinical testing. Allele origin: germline.

PreventionGenetics, part of Exact Sciences
Classification: Likely benign for BICD2-related condition. Last evaluated: 2019-03-19. Review status: no assertion criteria provided. Collection method: clinical testing. Allele origin: germline. Not counted in ClinVar's aggregate classification.
Comment: This variant is classified as likely benign based on ACMG/AMP sequence variant interpretation guidelines (Richards et al. 2015 PMID: 25741868, with internal and published modifications).